The following is an entry in ClinVar:

NM_006567.5(FARS2):c.1217A>G (p.Lys406Arg)

Gene: FARS2 (phenylalanyl-tRNA synthetase 2, mitochondrial; plus strand). Cytogenetic location: 6p25.1.
Variant type: single nucleotide variant.
Coding change: c.1217A>G on transcript NM_006567.5 (MANE Select); coding-DNA position 1217, A replaced by G.
Protein change: p.Lys406Arg; replaces lysine 406 with arginine.
Molecular consequence: missense variant.
Genome position (GRCh38, 1-based): chr6:5,613,320, A>G. VCF-style: chr6-5613320-A-G. GRCh37 (hg19) VCF-style: chr6-5613553-A-G.
Other names: c.1217A>G, p.Lys406Arg (NM_001318872.2, NM_001374875.1, NM_001374876.1 and 4 more transcripts); c.1085A>G, p.Lys362Arg (NM_001375258.1); c.521A>G, p.Lys174Arg (NM_001375259.1, NM_001375260.1); short protein forms K174R, K362R, K406R.
Identifiers: ClinVar variation 959450 (VCV000959450.9), dbSNP rs1775291811, ClinGen allele CA362737082.
Genomic context (GRCh38, chr6:5,613,320, plus strand): 5'-GAACAATTGGAGGAGACCTGGTGGAAAAGGTTGATCTCATAGACAAGTTTGTACATCCAA[A>G]GTAAGTGAAAAGCTTTCTGATTTTACCCTTGACTATCTCTGTGTGATAAATGTCATGTGG-3'
Protein context (NP_006558.1, residues 396-416): VDLIDKFVHP[Lys406Arg]THKTSHCYRI

ClinVar aggregate classification (germline): Uncertain significance (1 of 4 stars; one submission).

Conditions:
Combined oxidative phosphorylation defect type 14. Also called: Combined oxidative phosphorylation deficiency 14. Identifiers: Orphanet 319519, MedGen C4755312, MONDO:0013986, OMIM 614946.

Submission:

Labcorp Genetics (formerly Invitae), Labcorp
Classification: Uncertain significance for Combined oxidative phosphorylation defect type 14. Last evaluated: 2022-07-26. Review status: criteria provided, single submitter. Criteria: Invitae Variant Classification Sherloc (09022015). Collection method: clinical testing. Allele origin: germline.
Comment: This variant has not been reported in the literature in individuals affected with FARS2-related conditions. This variant is not present in population databases (gnomAD no frequency). This sequence change replaces lysine, which is basic and polar, with arginine, which is basic and polar, at codon 406 of the FARS2 protein (p.Lys406Arg). ClinVar contains an entry for this variant (Variation ID: 959450). In summary, the available evidence is currently insufficient to determine the role of this variant in disease. Therefore, it has been classified as a Variant of Uncertain Significance. Algorithms developed to predict the effect of sequence changes on RNA splicing suggest that this variant may create or strengthen a splice site. Algorithms developed to predict the effect of missense changes on protein structure and function are either unavailable or do not agree on the potential impact of this missense change (SIFT: "Deleterious"; PolyPhen-2: "Benign"; Align-GVGD: "Class C0").